The following is an entry in ClinVar:

ClinVar aggregate classification (germline): Uncertain significance. Review status: criteria provided, multiple submitters, no conflicts (2 of 4 stars). 3 submissions from 3 submitters: Uncertain significance (3). Last evaluated 2025-09-22.

Conditions:
Hypertrophic cardiomyopathy 26. Also called: Cardiomyopathy, familial hypertrophic, 26. Identifiers: Orphanet 75249, MedGen C4310749, MONDO:0014883, OMIM 617047.
Myofibrillar myopathy 5. Also called: FILAMINOPATHY, AUTOSOMAL DOMINANT; Filaminopathy (type). Identifiers: Orphanet 171445, MedGen C1836050, MONDO:0012289, OMIM 609524.
Distal myopathy with posterior leg and anterior hand involvement. Also called: WILLIAMS DISTAL MYOPATHY. Identifiers: Orphanet 63273, MedGen C3279722, MONDO:0013550, OMIM 614065.
Cardiovascular phenotype. Identifiers: MedGen CN230736.

Allele frequency attached by ClinVar (database versions not stated): gnomAD exomes 0.00001; TOPMed 0.00001.
gnomAD v4.1: 15 of 1,601,882 alleles (0.00094%); highest among the groups gnomAD compares: Non-Finnish European, 0.0011%; no homozygotes.

Submissions (3):

Labcorp Genetics (formerly Invitae), Labcorp
Classification: Uncertain significance for Distal myopathy with posterior leg and anterior hand involvement; Myofibrillar myopathy 5; Hypertrophic cardiomyopathy 26. Last evaluated: 2025-09-22. Review status: criteria provided, single submitter. Criteria: Invitae Variant Classification Sherloc (09022015). Collection method: clinical testing. Allele origin: germline.
Comment: This sequence change replaces valine, which is neutral and non-polar, with methionine, which is neutral and non-polar, at codon 1373 of the FLNC protein (p.Val1373Met). This variant is present in population databases (no rsID available, gnomAD 0.003%). This variant has not been reported in the literature in individuals affected with FLNC-related conditions. ClinVar contains an entry for this variant (Variation ID: 939572). Invitae Evidence Modeling of protein sequence and biophysical properties (such as structural, functional, and spatial information, amino acid conservation, physicochemical variation, residue mobility, and thermodynamic stability) has been performed for this missense variant. However, the output from this modeling did not meet the statistical confidence thresholds required to predict the impact of this variant on FLNC protein function. In summary, the available evidence is currently insufficient to determine the role of this variant in disease. Therefore, it has been classified as a Variant of Uncertain Significance.

Clinical Genomics Laboratory, Washington University in St. Louis
Classification: Uncertain significance for Hypertrophic cardiomyopathy 26. Last evaluated: 2024-05-30. Review status: criteria provided, single submitter. Criteria: ACMG Guidelines, 2015. Collection method: clinical testing. Allele origin: germline.
Comment: A FLNC c.4117G>A (p.Val1373Met) variant was identified. This variant, to our knowledge, has not been reported in the medical literature. This variant has been reported in the ClinVar database as a variant of uncertain significance by one submitter (ClinVar ID: 939572). Computational predictors indicate that the variant is damaging, evidence that may correlate with impact to FLNC function. Due to limited information, and based on ACMG/AMP guidelines for variant interpretation (Richards S et al., PMID: 25741868), the clinical significance of this variant is uncertain at this time.

Ambry Genetics
Classification: Uncertain significance for Cardiovascular phenotype. Last evaluated: 2024-04-05. Review status: criteria provided, single submitter. Criteria: Ambry Variant Classification Scheme 2023. Collection method: clinical testing. Allele origin: germline.
Comment: The p.V1373M variant (also known as c.4117G>A), located in coding exon 23 of the FLNC gene, results from a G to A substitution at nucleotide position 4117. The valine at codon 1373 is replaced by methionine, an amino acid with highly similar properties. This amino acid position is conserved. In addition, this alteration is predicted to be deleterious by in silico analysis. Based on the available evidence, the clinical significance of this variant remains unclear.

NM_001458.5(FLNC):c.4117G>A (p.Val1373Met)

Gene: FLNC (filamin C; plus strand). Cytogenetic location: 7q32.1.
Variant type: single nucleotide variant.
Coding change: c.4117G>A on transcript NM_001458.5 (MANE Select); coding-DNA position 4117, G replaced by A.
Protein change: p.Val1373Met; replaces valine 1373 with methionine.
Molecular consequence: missense variant.
Genome position (GRCh38, 1-based): chr7:128,846,453, G>A. VCF-style: chr7-128846453-G-A. GRCh37 (hg19) VCF-style: chr7-128486507-G-A.
Other names: c.4117G>A, p.Val1373Met (NM_001127487.2); short protein forms V1373M.
Identifiers: ClinVar variation 939572 (VCV000939572.10), dbSNP rs1159994552, ClinGen allele CA369199146.